The following is an entry in ClinVar:

NM_000059.4(BRCA2):c.10202C>A (p.Thr3401Lys)

Gene: BRCA2 (BRCA2 DNA repair associated; plus strand). Cytogenetic location: 13q13.1.
Variant type: single nucleotide variant.
Coding change: c.10202C>A on transcript NM_000059.4 (MANE Select); coding-DNA position 10202, C replaced by A.
Protein change: p.Thr3401Lys; replaces threonine 3401 with lysine.
Molecular consequence: missense variant.
Genome position (GRCh38, 1-based): chr13:32,398,715, C>A. VCF-style: chr13-32398715-C-A. GRCh37 (hg19) VCF-style: chr13-32972852-C-A.
Other names: c.10106C>A, p.Thr3369Lys (NM_001406719.1); c.10151C>A, p.Thr3384Lys (NM_001406720.1); c.5270C>A, p.Thr1757Lys (NM_001406721.1); c.3785C>A, p.Thr1262Lys (NM_001406722.1); short protein forms T1757K, T3401K, T3369K, T1262K, T3384K.
Identifiers: ClinVar variation 2007811 (VCV002007811.4), dbSNP rs55853199, ClinGen allele CA387768416.

ClinVar aggregate classification (germline): Uncertain significance (1 of 4 stars; one submission).

Conditions:
Hereditary breast ovarian cancer syndrome. Also called: Hereditary breast and ovarian cancer syndrome (HBOC); Hereditary breast and ovarian cancer syndrome; Hereditary breast and ovarian cancer; Breast and ovarian cancer; BRCA1- and BRCA2-Associated Hereditary Breast and Ovarian Cancer; Hereditary breast and/or ovarian cancer syndrome. Identifiers: Orphanet 145, MedGen C0677776, MeSH D061325, MONDO:0003582. Disease mechanism: loss of function.

Submission:

Labcorp Genetics (formerly Invitae), Labcorp
Classification: Uncertain significance for Hereditary breast ovarian cancer syndrome. Last evaluated: 2022-06-18. Review status: criteria provided, single submitter. Criteria: Invitae Variant Classification Sherloc (09022015). Collection method: clinical testing. Allele origin: germline.
Comment: This sequence change replaces threonine, which is neutral and polar, with lysine, which is basic and polar, at codon 3401 of the BRCA2 protein (p.Thr3401Lys). In summary, the available evidence is currently insufficient to determine the role of this variant in disease. Therefore, it has been classified as a Variant of Uncertain Significance. Advanced modeling of protein sequence and biophysical properties (such as structural, functional, and spatial information, amino acid conservation, physicochemical variation, residue mobility, and thermodynamic stability) performed at Invitae indicates that this missense variant is not expected to disrupt BRCA2 protein function. This variant has not been reported in the literature in individuals affected with BRCA2-related conditions. This variant is not present in population databases (gnomAD no frequency).